The following is an entry in ClinVar:

ClinVar aggregate classification (germline): Uncertain significance (1 of 4 stars; one submission).

Conditions:
Cardiovascular phenotype. Identifiers: MedGen CN230736.

Submission:

Ambry Genetics
Classification: Uncertain significance for Cardiovascular phenotype. Last evaluated: 2016-10-21. Review status: criteria provided, single submitter. Criteria: Ambry Variant Classification Scheme 2023. Collection method: clinical testing. Allele origin: germline.
Comment: The p.E146* variant (also known as c.436G>T), located in coding exon 2 of the JUP gene, results from a G to T substitution at nucleotide position 436. This changes the amino acid from a glutamic acid to a stop codon within coding exon 2. This variant was not reported in population based cohorts in the following databases: Database of Single Nucleotide Polymorphisms (dbSNP), NHLBI Exome Sequencing Project (ESP), and 1000 Genomes Project. In the ESP, this variant was not observed in 6503 samples (13006 alleles) with coverage at this position. This alteration is expected to result in loss of function by premature protein truncation or nonsense-mediated mRNA decay. However, loss of function of JUP has not been clearly established as a mechanism of disease for autosomal dominant ARVC. Since supporting evidence is limited at this time, the clinical significance of this alteration remains unclear.

NM_002230.4(JUP):c.436G>T (p.Glu146Ter)

Gene: JUP (junction plakoglobin; minus strand). Cytogenetic location: 17q21.2.
Variant type: single nucleotide variant.
Coding change: c.436G>T on transcript NM_002230.4 (MANE Select); coding-DNA position 436, G replaced by T.
Protein change: p.Glu146Ter; replaces glutamic acid 146 with a stop codon.
Molecular consequence: nonsense.
Genome position (GRCh38, 1-based): chr17:41,769,450, C>A on the plus strand (G>T on the coding strand, the complement: JUP is on the minus strand). VCF-style: chr17-41769450-C-A. GRCh37 (hg19) VCF-style: chr17-39925702-C-A.
Other names: c.436G>T, p.Glu146Ter (NM_001352773.2, NM_001352774.2, NM_001352775.2 and 3 more transcripts); short protein forms E146*.
Identifiers: ClinVar variation 518568 (VCV000518568.5), dbSNP rs146581757, ClinGen allele CA399504899.
Genomic context (GRCh38, chr17:41,769,450, plus strand): 5'-CCCCACCCTAGCAGGGACCCTCACAGACCGGGTCCTCGTCGTTGAGCAGTTTGGTGAGCT[C>A]GGGCAGGGCGCGAGTGGCCAGCTCGGCATCGTCCTGGTAGTTGATGAGATGCACAATGGC-3'